The following is an entry in ClinVar:

ClinVar aggregate classification (germline): Uncertain significance (1 of 4 stars; one submission).

Conditions:
Neuronopathy, distal hereditary motor, type 7A. Also called: HARPER-YOUNG MYOPATHY; HMN VIIA; NEURONOPATHY, DISTAL HEREDITARY MOTOR, HARDING TYPE VIIA; NEUROPATHY, DISTAL HEREDITARY MOTOR, HARDING TYPE VIIA; Neuronopathy, distal hereditary motor, autosomal dominant 7; SPINAL MUSCULAR ATROPHY, DISTAL, WITH VOCAL CORD PARALYSIS. Identifiers: Orphanet 139589, MedGen C1834703, MONDO:0008024, OMIM 158580.
Congenital myasthenic syndrome 20. Also called: Myasthenic syndrome, congenital, 20, presynaptic. Identifiers: MedGen C4310694, MONDO:0014939, OMIM 617143.

Allele frequency attached by ClinVar (database versions not stated): TOPMed below 0.00001; ExAC 0.00001; gnomAD 0.00001; gnomAD exomes 0.00001.
gnomAD v4.1: 10 of 1,585,246 alleles (0.00063%); highest among the groups gnomAD compares: Middle Eastern, 0.034%; no homozygotes.

Submission:

Labcorp Genetics (formerly Invitae), Labcorp
Classification: Uncertain significance for Neuronopathy, distal hereditary motor, type viia; Myasthenic syndrome, congenital, 20, presynaptic. Last evaluated: 2019-10-15. Review status: criteria provided, single submitter. Criteria: Invitae Variant Classification Sherloc (09022015). Collection method: clinical testing. Allele origin: germline.
Comment: This sequence change affects codon 574 of the SLC5A7 mRNA. It is a 'silent' change, meaning that it does not change the encoded amino acid sequence of the SLC5A7 protein. This variant is present in population databases (rs762662680, ExAC 0.002%). This variant has not been reported in the literature in individuals with SLC5A7-related conditions. Algorithms developed to predict the effect of sequence changes on RNA splicing suggest that this variant may create or strengthen a splice site, but this prediction has not been confirmed by published transcriptional studies. In summary, the available evidence is currently insufficient to determine the role of this variant in disease. Therefore, it has been classified as a Variant of Uncertain Significance.

NM_021815.5(SLC5A7):c.1722G>T (p.Gly574=)

Gene: SLC5A7 (solute carrier family 5 member 7; plus strand). Cytogenetic location: 2q12.3.
Variant type: single nucleotide variant.
Coding change: c.1722G>T on transcript NM_021815.5 (MANE Select); coding-DNA position 1722, G replaced by T.
Protein change: p.Gly574=; no amino-acid change (glycine 574 retained).
Molecular consequence: synonymous variant.
Genome position (GRCh38, 1-based): chr2:108,010,840, G>T. VCF-style: chr2-108010840-G-T. GRCh37 (hg19) VCF-style: chr2-108627296-G-T.
Other names: c.1722G>T, p.Gly574= (NM_001305005.3); c.1407G>T, p.Gly469= (NM_001305006.3); c.981G>T, p.Gly327= (NM_001305007.3).
Identifiers: ClinVar variation 965340 (VCV000965340.1), dbSNP rs762662680, ClinGen allele CA1819220.